The following is an entry in ClinVar:

ClinVar aggregate classification (germline): Uncertain significance (1 of 4 stars; one submission).

Submission:

GeneDx
Classification: Uncertain significance. Last evaluated: 2024-11-22. Review status: criteria provided, single submitter. Criteria: GeneDx Variant Classification Process June 2021. Collection method: clinical testing. Allele origin: germline. Affected: yes.
Comment: Not observed at significant frequency in large population cohorts (gnomAD); In silico analysis supports that this missense variant has a deleterious effect on protein structure/function; Has not been previously published as pathogenic or benign to our knowledge

NM_005045.4(RELN):c.984G>C (p.Trp328Cys)

Gene: RELN (reelin; minus strand). Cytogenetic location: 7q22.1.
Variant type: single nucleotide variant.
Coding change: c.984G>C on transcript NM_005045.4 (MANE Select); coding-DNA position 984, G replaced by C.
Protein change: p.Trp328Cys; replaces tryptophan 328 with cysteine.
Molecular consequence: missense variant.
Genome position (GRCh38, 1-based): chr7:103,698,012, C>G on the plus strand (G>C on the coding strand, the complement: RELN is on the minus strand). VCF-style: chr7-103698012-C-G. GRCh37 (hg19) VCF-style: chr7-103338459-C-G.
Other names: c.984G>C, p.Trp328Cys (NM_173054.3); short protein forms W328C.
Identifiers: ClinVar variation 3900109 (VCV003900109.1).